The following is an entry in ClinVar:

NM_000441.2(SLC26A4):c.601-17C>T

Gene: SLC26A4 (solute carrier family 26 member 4; plus strand). Cytogenetic location: 7q22.3.
Variant type: single nucleotide variant.
Coding change: c.601-17C>T on transcript NM_000441.2 (MANE Select); 17 bases into the intron before coding-DNA position 601, C replaced by T.
Molecular consequence: intron variant.
Genome position (GRCh38, 1-based): chr7:107,674,928, C>T. VCF-style: chr7-107674928-C-T. GRCh37 (hg19) VCF-style: chr7-107315373-C-T.
Identifiers: ClinVar variation 1284452 (VCV001284452.14), dbSNP rs78330939, ClinGen allele CA4432529.

ClinVar aggregate classification (germline): Benign. Review status: criteria provided, multiple submitters, no conflicts (2 of 4 stars). 5 submissions from 5 submitters: Benign (3). 2 of the submissions do not count toward it. Last evaluated 2026-06-04.

Allele frequency attached by ClinVar (database versions not stated): ESP Exome Variant Server 0.00223; TOPMed 0.00247; gnomAD 0.00288 and 0.00296; gnomAD exomes 0.00420; 1000 Genomes Project 0.00200; 1000 Genomes Project 30x 0.00219.
gnomAD v4.1: 6,494 of 1,612,732 alleles (0.4%); highest among the groups gnomAD compares: Non-Finnish European, 0.5%; 20 homozygotes.

Submissions (5):

Women's Health and Genetics/Laboratory Corporation of America, LabCorp
Classification: Benign. Last evaluated: 2026-06-04. Review status: criteria provided, single submitter. Criteria: LabCorp Variant Classification Summary - May 2015. Collection method: clinical testing. Allele origin: germline.
Comment: Variant summary: SLC26A4 c.601-17C>T alters a nucleotide located at a position not widely known to affect splicing. Consensus agreement among computation tools predict no significant impact on normal splicing. However, these predictions have yet to be confirmed by functional studies. The variant allele was found at a frequency of 0.0025 in 251146 control chromosomes, predominantly at a frequency of 0.0042 within the Non-Finnish European subpopulation in the gnomAD database, including 4 homozygotes. The observed variant frequency within Non-Finnish European control individuals in the gnomAD database exceeds the estimated maximal expected allele frequency for disease-causing variants in SLC26A4. To our knowledge, no occurrence of c.601-17C>T in individuals affected with SLC26A4-related conditions and no experimental evidence demonstrating its impact on protein function have been reported. ClinVar contains an entry for this variant (Variation ID: 1284452). Based on the evidence outlined above, the variant was classified as benign.

Labcorp Genetics (formerly Invitae), Labcorp
Classification: Benign. Last evaluated: 2026-02-02. Review status: criteria provided, single submitter. Criteria: Invitae Variant Classification Sherloc (09022015). Collection method: clinical testing. Allele origin: germline.

GeneDx
Classification: Benign. Last evaluated: 2019-07-30. Review status: criteria provided, single submitter. Criteria: GeneDx Variant Classification Process June 2021. Collection method: clinical testing. Allele origin: germline. Affected: yes.

Clinical Genetics, Academic Medical Center
Classification: Benign. Review status: no assertion criteria provided. Collection method: clinical testing. Allele origin: germline. Affected: yes. Study: VKGL Data-share Consensus. Not counted in ClinVar's aggregate classification.

Joint Genome Diagnostic Labs from Nijmegen and Maastricht, Radboudumc and MUMC+
Classification: Likely benign. Review status: no assertion criteria provided. Collection method: clinical testing. Allele origin: germline. Affected: yes. Study: VKGL Data-share Consensus. Not counted in ClinVar's aggregate classification.